The following is an entry in ClinVar:

NM_000748.3(CHRNB2):c.481C>T (p.His161Tyr)

Gene: CHRNB2 (cholinergic receptor nicotinic beta 2 subunit; plus strand). Cytogenetic location: 1q21.3.
Variant type: single nucleotide variant.
Coding change: c.481C>T on transcript NM_000748.3 (MANE Select); coding-DNA position 481, C replaced by T.
Protein change: p.His161Tyr; replaces histidine 161 with tyrosine.
Molecular consequence: missense variant.
Genome position (GRCh38, 1-based): chr1:154,571,304, C>T. VCF-style: chr1-154571304-C-T. GRCh37 (hg19) VCF-style: chr1-154543780-C-T.
Other names: short protein forms H161Y.
Identifiers: ClinVar variation 1025606 (VCV001025606.8), dbSNP rs1282479699, ClinGen allele CA342630123.

ClinVar aggregate classification (germline): Uncertain significance (1 of 4 stars; one submission).

Conditions:
Familial sleep-related hypermotor epilepsy. Also called: Autosomal Dominant Sleep-Related Hypermotor (Hyperkinetic) Epilepsy. Identifiers: Orphanet 98784, MedGen C3696898, MONDO:0000030.

Allele frequency attached by ClinVar (database versions not stated): TOPMed below 0.00001; gnomAD exomes below 0.00001.
gnomAD v4.1: 1 of 1,614,230 alleles (0.000062%); highest among the groups gnomAD compares: Non-Finnish European, 0.000085%; no homozygotes.

Submission:

Labcorp Genetics (formerly Invitae), Labcorp
Classification: Uncertain significance. Last evaluated: 2024-02-24. Review status: criteria provided, single submitter. Criteria: Invitae Variant Classification Sherloc (09022015). Collection method: clinical testing. Allele origin: germline.
Comment: This sequence change replaces histidine, which is basic and polar, with tyrosine, which is neutral and polar, at codon 161 of the CHRNB2 protein (p.His161Tyr). This variant is not present in population databases (gnomAD no frequency). This variant has not been reported in the literature in individuals affected with CHRNB2-related conditions. ClinVar contains an entry for this variant (Variation ID: 1025606). Advanced modeling of protein sequence and biophysical properties (such as structural, functional, and spatial information, amino acid conservation, physicochemical variation, residue mobility, and thermodynamic stability) performed at Invitae indicates that this missense variant is not expected to disrupt CHRNB2 protein function with a negative predictive value of 80%. In summary, the available evidence is currently insufficient to determine the role of this variant in disease. Therefore, it has been classified as a Variant of Uncertain Significance.